The following is an entry in ClinVar:

ClinVar aggregate classification (germline): Uncertain significance. Review status: criteria provided, multiple submitters, no conflicts (2 of 4 stars). 8 submissions from 8 submitters: Uncertain significance (7). 1 of the submissions does not count toward it. Last evaluated 2026-01-10.

Conditions:
FH-related disorder. Also called: FH-related condition; FH-related disorders.
Hereditary cancer-predisposing syndrome. Also called: Neoplastic Syndromes, Hereditary; Tumor predisposition; Hereditary Cancer Syndrome; Hereditary neoplastic syndrome. Identifiers: Orphanet 140162, MedGen C0027672, MeSH D009386, MONDO:0015356.
Fumarase deficiency (FMRD). Also called: Fumaric aciduria; Fumarate Hydratase Deficiency. Identifiers: Orphanet 24, MedGen C0342770, MONDO:0011730, OMIM 606812.

Allele frequency attached by ClinVar (database versions not stated): gnomAD 0.00001; TOPMed 0.00001; ExAC 0.00002; gnomAD exomes 0.00002.
gnomAD v4.1: 13 of 1,614,116 alleles (0.00081%); highest among the groups gnomAD compares: Middle Eastern, 0.016%; no homozygotes.

Submissions (8):

Labcorp Genetics (formerly Invitae), Labcorp
Classification: Uncertain significance. Last evaluated: 2026-01-10. Review status: criteria provided, single submitter. Criteria: Invitae Variant Classification Sherloc (09022015). Collection method: clinical testing. Allele origin: germline.
Comment: This sequence change replaces asparagine, which is neutral and polar, with serine, which is neutral and polar, at codon 329 of the FH protein (p.Asn329Ser). This variant is present in population databases (rs768483509, gnomAD 0.01%). This missense change has been observed in individual(s) with a head and neck paraganglioma (PMID: 24334767). ClinVar contains an entry for this variant (Variation ID: 405919). Invitae Evidence Modeling of protein sequence and biophysical properties (such as structural, functional, and spatial information, amino acid conservation, physicochemical variation, residue mobility, and thermodynamic stability) indicates that this missense variant is expected to disrupt FH protein function with a positive predictive value of 95%. In summary, the available evidence is currently insufficient to determine the role of this variant in disease. Therefore, it has been classified as a Variant of Uncertain Significance.

PreventionGenetics, part of Exact Sciences
Classification: Uncertain significance for FH-related condition. Last evaluated: 2025-04-04. Review status: criteria provided, single submitter. Criteria: ACMG Guidelines, 2015. Collection method: clinical testing. Allele origin: germline.
Comment: The FH c.986A>G variant is predicted to result in the amino acid substitution p.Asn329Ser. This variant has been reported in an individual with head and neck paraganglioma (Castro-Vega et al. 2014. PubMed ID: 24334767; Clark et al. 2014. PubMed ID: 25004247; Zavoshi et al. 2023. PubMed ID: 36773955). This variant is reported in 0.019% of alleles in individuals of Ashkenazi Jewish descent in gnomAD and it has been classified as uncertain by other institutions in ClinVar. At this time, the clinical significance of this variant is uncertain due to the absence of conclusive functional and genetic evidence.

Blueprint Genetics
Classification: Uncertain significance. Last evaluated: 2024-11-06. Review status: criteria provided, single submitter. Criteria: ACMG Guidelines, 2015. Collection method: clinical testing. Allele origin: germline.

Ambry Genetics
Classification: Uncertain significance for Hereditary cancer-predisposing syndrome. Last evaluated: 2024-10-18. Review status: criteria provided, single submitter. Criteria: Ambry Variant Classification Scheme 2023. Collection method: clinical testing. Allele origin: germline.
Comment: The p.N329S variant (also known as c.986A>G), located in coding exon 7 of the FH gene, results from an A to G substitution at nucleotide position 986. The asparagine at codon 329 is replaced by serine, an amino acid with highly similar properties. This alteration has been reported in an individual diagnosed with a head and neck paraganglioma (Castro-Vega LJ et al. Hum. Mol. Genet. 2014 May;23:2440-6). This amino acid position is highly conserved in available vertebrate species. In addition, the in silico prediction for this alteration is inconclusive. Based on the available evidence, the clinical significance of this variant remains unclear.

Quest Diagnostics Nichols Institute San Juan Capistrano
Classification: Uncertain significance. Last evaluated: 2024-06-13. Review status: criteria provided, single submitter. Criteria: Quest Diagnostics criteria. Collection method: clinical testing. Allele origin: unknown.
Comment: The FH c.986A>G (p.Asn329Ser) variant has been reported in the published literature in in an individual with head and neck paraganglioma (PMID: 25004247 (2014)). The frequency of this variant in the general population, 0.000023 (3/129026 chromosomes (Genome Aggregation Database)), is uninformative in the assessment of its pathogenicity. Analysis of this variant using bioinformatics tools for the prediction of the effect of amino acid changes on protein structure and function yielded predictions that this variant is damaging. Based on the available information, we are unable to determine the clinical significance of this variant.

Baylor Genetics
Classification: Uncertain significance for Fumarase deficiency. Last evaluated: 2024-03-25. Review status: criteria provided, single submitter. Criteria: ACMG Guidelines, 2015. Collection method: clinical testing. Allele origin: unknown.

GeneDx
Classification: Uncertain significance. Last evaluated: 2024-01-17. Review status: criteria provided, single submitter. Criteria: GeneDx Variant Classification Process June 2021. Collection method: clinical testing. Allele origin: germline. Affected: yes.
Comment: In silico analysis supports that this missense variant has a deleterious effect on protein structure/function; This variant is associated with the following publications: (PMID: 25004247, 28873162, 24334767, 36773955, 35993574)

Natera, Inc.
Classification: Uncertain significance for Fumarase Deficiency. Last evaluated: 2020-11-20. Review status: no assertion criteria provided. Collection method: clinical testing. Allele origin: germline. Not counted in ClinVar's aggregate classification.

Literature cited by the submitters: PubMed 24334767 (cited by 3 submitters); PubMed 25004247 (cited by Quest Diagnostics Nichols Institute San Juan Capistrano); PubMed 36773955 (cited by Quest Diagnostics Nichols Institute San Juan Capistrano); PubMed 35993574 (cited by Quest Diagnostics Nichols Institute San Juan Capistrano).

NM_000143.4(FH):c.986A>G (p.Asn329Ser)

Gene: FH (fumarate hydratase; minus strand). Cytogenetic location: 1q43.
Variant type: single nucleotide variant.
Coding change: c.986A>G on transcript NM_000143.4 (MANE Select); coding-DNA position 986, A replaced by G.
Protein change: p.Asn329Ser; replaces asparagine 329 with serine.
Molecular consequence: missense variant.
Genome position (GRCh38, 1-based): chr1:241,504,164, T>C on the plus strand (A>G on the coding strand, the complement: FH is on the minus strand). VCF-style: chr1-241504164-T-C. GRCh37 (hg19) VCF-style: chr1-241667464-T-C.
Other names: short protein forms N329S.
Identifiers: ClinVar variation 405919 (VCV000405919.26), dbSNP rs768483509, ClinGen allele CA1478562.
Genomic context (GRCh38, chr1:241,504,164, plus strand): 5'-GGACCAGAACCCAAAAATCGAATATCATTTGCTATCTTCATCAGACTGCAGGCAGTAGTG[T>C]TCATGGCTCCACTGAGCTCAACCAGAGCGTCATGAGCAGCCAGAGCTTCAAATTTATTCG-3'
Protein context (NP_000134.2, residues 319-339): DALVELSGAM[Asn329Ser]TTACSLMKIA